The following is an entry in ClinVar:

ClinVar aggregate classification (germline): Uncertain significance (1 of 4 stars; one submission).

Conditions:
BAP1-related tumor predisposition syndrome (TPDS1). Also called: Tumor susceptibility linked to germline BAP1 mutations; COMMON Syndrome; TUMOR PREDISPOSITION SYNDROME 1; BAP1 tumor predisposition syndrome. Identifiers: Orphanet 289539, MedGen C3280492, MONDO:0013692, OMIM 614327.

Submission:

Labcorp Genetics (formerly Invitae), Labcorp
Classification: Uncertain significance for BAP1-related tumor predisposition syndrome. Last evaluated: 2024-12-26. Review status: criteria provided, single submitter. Criteria: Invitae Variant Classification Sherloc (09022015). Collection method: clinical testing. Allele origin: germline.
Comment: This sequence change replaces glutamic acid, which is acidic and polar, with lysine, which is basic and polar, at codon 257 of the BAP1 protein (p.Glu257Lys). This variant is not present in population databases (gnomAD no frequency). This variant has not been reported in the literature in individuals affected with BAP1-related conditions. Invitae Evidence Modeling of protein sequence and biophysical properties (such as structural, functional, and spatial information, amino acid conservation, physicochemical variation, residue mobility, and thermodynamic stability) has been performed for this missense variant. However, the output from this modeling did not meet the statistical confidence thresholds required to predict the impact of this variant on BAP1 protein function. In summary, the available evidence is currently insufficient to determine the role of this variant in disease. Therefore, it has been classified as a Variant of Uncertain Significance.

NM_004656.4(BAP1):c.769G>A (p.Glu257Lys)

Gene: BAP1 (BRCA1 associated deubiquitinase 1; minus strand). Cytogenetic location: 3p21.1.
Variant type: single nucleotide variant.
Coding change: c.769G>A on transcript NM_004656.4 (MANE Select); coding-DNA position 769, G replaced by A.
Protein change: p.Glu257Lys; replaces glutamic acid 257 with lysine.
Molecular consequence: missense variant.
Genome position (GRCh38, 1-based): chr3:52,406,267, C>T on the plus strand (G>A on the coding strand, the complement: BAP1 is on the minus strand). VCF-style: chr3-52406267-C-T. GRCh37 (hg19) VCF-style: chr3-52440283-C-T.
Other names: c.715G>A, p.Glu239Lys (NM_001410772.1); short protein forms E257K, E239K.
Identifiers: ClinVar variation 3657472 (VCV003657472.2).